The following is an entry in ClinVar:

ClinVar aggregate classification (germline): Likely benign (0 of 4 stars; one submission).

Conditions:
ZP2-related disorder. Also called: ZP2-related condition.

Allele frequency attached by ClinVar (database versions not stated): gnomAD exomes 0.00002; TOPMed 0.00002; gnomAD 0.00003; ExAC 0.00004.
gnomAD v4.1: 35 of 1,614,074 alleles (0.0022%); highest among the groups gnomAD compares: East Asian, 0.056%; no homozygotes.

Submission:

PreventionGenetics, part of Exact Sciences
Classification: Likely benign for ZP2-related condition. Last evaluated: 2019-05-22. Review status: no assertion criteria provided. Collection method: clinical testing. Allele origin: germline.
Comment: This variant is classified as likely benign based on ACMG/AMP sequence variant interpretation guidelines (Richards et al. 2015 PMID: 25741868, with internal and published modifications).

NM_001376232.1(ZP2):c.1815C>T (p.His605=)

Gene: ZP2 (zona pellucida glycoprotein 2; minus strand). Cytogenetic location: 16p12.3.
Variant type: single nucleotide variant.
Coding change: c.1815C>T on transcript NM_001376232.1 (MANE Select); coding-DNA position 1815, C replaced by T.
Protein change: p.His605=; no amino-acid change (histidine 605 retained).
Molecular consequence: synonymous variant. On other transcripts: non-coding transcript variant (1).
Genome position (GRCh38, 1-based): chr16:21,199,758, G>A on the plus strand (C>T on the coding strand, the complement: ZP2 is on the minus strand). VCF-style: chr16-21199758-G-A. GRCh37 (hg19) VCF-style: chr16-21211079-G-A.
Other names: c.1788C>T, p.His596= (NM_001376231.1); c.1815C>T, p.His605= (NM_001376233.1, NM_003460.2).
Identifiers: ClinVar variation 3038807 (VCV003038807.2), dbSNP rs760672647, ClinGen allele CA7949628.